The following is an entry in ClinVar:

ClinVar aggregate classification (germline): Uncertain significance (1 of 4 stars; one submission).

gnomAD v4.1: 1 of 1,206,793 alleles (0.000083%); highest among the groups gnomAD compares: Non-Finnish European, 0.00011%; no homozygotes.

Submission:

GeneDx
Classification: Uncertain significance. Last evaluated: 2023-10-02. Review status: criteria provided, single submitter. Criteria: GeneDx Variant Classification Process June 2021. Collection method: clinical testing. Allele origin: germline. Affected: yes.
Comment: Not observed at significant frequency in large population cohorts (gnomAD); In silico analysis supports that this missense variant does not alter protein structure/function; Has not been previously published as pathogenic or benign to our knowledge

NM_001363.5(DKC1):c.1487C>G (p.Thr496Ser)

Gene: DKC1 (dyskerin pseudouridine synthase 1; plus strand). Cytogenetic location: Xq28.
Variant type: single nucleotide variant.
Coding change: c.1487C>G on transcript NM_001363.5 (MANE Select); coding-DNA position 1487, C replaced by G.
Protein change: p.Thr496Ser; replaces threonine 496 with serine.
Molecular consequence: missense variant. On other transcripts: 3 prime UTR variant (1), non-coding transcript variant (3).
Genome position (GRCh38, 1-based): chrX:154,776,809, C>G. VCF-style: chrX-154776809-C-G. GRCh37 (hg19) VCF-style: chrX-154005084-C-G.
Other names: c.1472C>G, p.Thr491Ser (NM_001142463.3); c.*713C>G (NM_001288747.2); short protein forms T491S, T496S.
Identifiers: ClinVar variation 3252336 (VCV003252336.1), dbSNP rs1557265771.